The following is an entry in ClinVar:

ClinVar aggregate classification (germline): Uncertain significance. Review status: criteria provided, multiple submitters, no conflicts (2 of 4 stars). 3 submissions from 3 submitters: Uncertain significance (3). Last evaluated 2025-10-02.

Conditions:
Early-infantile DEE. Also called: Ohtahara syndrome; Early infantile epileptic encephalopathy with suppression bursts; Early infantile epileptic encephalopathy. Identifiers: Orphanet 1934, MedGen C0393706, MONDO:0800491.
Inborn genetic diseases. Identifiers: MedGen C0950123, MeSH D030342.
Developmental and epileptic encephalopathy, 5 (DEE5). Identifiers: Orphanet 3451, MedGen C3150731, MONDO:0013277, OMIM 613477.

Allele frequency attached by ClinVar (database versions not stated): gnomAD exomes below 0.00001; TOPMed 0.00002; gnomAD 0.00006 and 0.00007.
gnomAD v4.1: 17 of 1,613,836 alleles (0.0011%); highest among the groups gnomAD compares: African/African-American, 0.017%; no homozygotes.

Submissions (3):

Labcorp Genetics (formerly Invitae), Labcorp
Classification: Uncertain significance for Early-infantile DEE. Last evaluated: 2025-10-02. Review status: criteria provided, single submitter. Criteria: Invitae Variant Classification Sherloc (09022015). Collection method: clinical testing. Allele origin: germline.
Comment: This sequence change replaces glycine, which is neutral and non-polar, with cysteine, which is neutral and slightly polar, at codon 1958 of the SPTAN1 protein (p.Gly1958Cys). This variant is present in population databases (no rsID available, gnomAD 0.02%). This variant has not been reported in the literature in individuals affected with SPTAN1-related conditions. ClinVar contains an entry for this variant (Variation ID: 411798). An algorithm developed to predict the effect of missense changes on protein structure and function outputs the following: PolyPhen-2: "Possibly Damaging". The cysteine amino acid residue is found in multiple mammalian species, which suggests that this missense change does not adversely affect protein function. In summary, the available evidence is currently insufficient to determine the role of this variant in disease. Therefore, it has been classified as a Variant of Uncertain Significance.

Ambry Genetics
Classification: Uncertain significance for Inborn genetic diseases. Last evaluated: 2023-08-09. Review status: criteria provided, single submitter. Criteria: Ambry Variant Classification Scheme 2023. Collection method: clinical testing. Allele origin: germline.

Center for Genomics, Ann and Robert H. Lurie Children's Hospital of Chicago
Classification: Uncertain significance for Developmental and epileptic encephalopathy, 5. Last evaluated: 2022-02-11. Review status: criteria provided, single submitter. Criteria: ACMG Guidelines, 2015. Collection method: clinical testing. Allele origin: germline.
Comment: This variant has not been reported in the literature but is present in 0.02% (9/41396) of African alleles in the Genome Aggregation Database (128624367 G T?dataset=gnomad_r3). This variant is present in ClinVar (Variation ID:411798). Evolutionary conservation and computational predictive tools suggest that this variant may not impact the protein. In summary, data on this variant is insufficient for disease classification. Therefore, the clinical significance of this variant is uncertain.

NM_001130438.3(SPTAN1):c.5872G>T (p.Gly1958Cys)

Gene: SPTAN1 (spectrin alpha, non-erythrocytic 1; plus strand). Cytogenetic location: 9q34.11.
Variant type: single nucleotide variant.
Coding change: c.5872G>T on transcript NM_001130438.3 (MANE Select); coding-DNA position 5872, G replaced by T.
Protein change: p.Gly1958Cys; replaces glycine 1958 with cysteine.
Molecular consequence: missense variant.
Genome position (GRCh38, 1-based): chr9:128,624,367, G>T. VCF-style: chr9-128624367-G-T. GRCh37 (hg19) VCF-style: chr9-131386646-G-T.
Other names: c.5797G>T, p.Gly1933Cys (NM_001195532.2); c.5872G>T, p.Gly1958Cys (NM_001363759.2); c.5812G>T, p.Gly1938Cys (NM_001363765.2); c.5857G>T, p.Gly1953Cys (NM_003127.4); short protein forms G1958C, G1938C, G1953C, G1933C.
Identifiers: ClinVar variation 411798 (VCV000411798.11), dbSNP rs920545433, ClinGen allele CA16612729.